The following is an entry in ClinVar:

ClinVar aggregate classification (germline): Uncertain significance (1 of 4 stars; one submission).

Submission:

Labcorp Genetics (formerly Invitae), Labcorp
Classification: Uncertain significance. Last evaluated: 2024-04-10. Review status: criteria provided, single submitter. Criteria: Invitae Variant Classification Sherloc (09022015). Collection method: clinical testing. Allele origin: germline.
Comment: This sequence change replaces asparagine, which is neutral and polar, with serine, which is neutral and polar, at codon 287 of the PRPF8 protein (p.Asn287Ser). This variant is not present in population databases (gnomAD no frequency). This variant has not been reported in the literature in individuals affected with PRPF8-related conditions. Advanced modeling of protein sequence and biophysical properties (such as structural, functional, and spatial information, amino acid conservation, physicochemical variation, residue mobility, and thermodynamic stability) performed at Invitae indicates that this missense variant is not expected to disrupt PRPF8 protein function with a negative predictive value of 80%. In summary, the available evidence is currently insufficient to determine the role of this variant in disease. Therefore, it has been classified as a Variant of Uncertain Significance.

NM_006445.4(PRPF8):c.860A>G (p.Asn287Ser)

Gene: PRPF8 (pre-mRNA processing factor 8; minus strand). Cytogenetic location: 17p13.3.
Variant type: single nucleotide variant.
Coding change: c.860A>G on transcript NM_006445.4 (MANE Select); coding-DNA position 860, A replaced by G.
Protein change: p.Asn287Ser; replaces asparagine 287 with serine.
Molecular consequence: missense variant.
Genome position (GRCh38, 1-based): chr17:1,681,484, T>C on the plus strand (A>G on the coding strand, the complement: PRPF8 is on the minus strand). VCF-style: chr17-1681484-T-C. GRCh37 (hg19) VCF-style: chr17-1584778-T-C.
Other names: short protein forms N287S.
Identifiers: ClinVar variation 3621569 (VCV003621569.2).